The following is an entry in ClinVar:

ClinVar aggregate classification (germline): Uncertain significance (1 of 4 stars; one submission).

Conditions:
Mendelian susceptibility to mycobacterial diseases due to partial STAT1 deficiency. Also called: IMMUNODEFICIENCY 31A, MYCOBACTERIOSIS, AUTOSOMAL DOMINANT; STAT1 DEFICIENCY, AUTOSOMAL DOMINANT; Immunodeficiency 31a. Identifiers: Orphanet 319595, MedGen C4013950, MONDO:0013956, OMIM 614892.
Immunodeficiency 31B. Also called: STAT1 DEFICIENCY, AUTOSOMAL RECESSIVE; IMMUNODEFICIENCY 31B, MYCOBACTERIAL AND VIRAL INFECTIONS, AUTOSOMAL RECESSIVE. Identifiers: Orphanet 391311, MedGen C3151088, MONDO:0013427, OMIM 613796.
Autoimmune enteropathy and endocrinopathy - susceptibility to chronic infections syndrome. Also called: Immunodeficiency 31C; Immunodeficiency 31C, autosomal dominant. Identifiers: Orphanet 391487, MedGen C3279990, MONDO:0013599, OMIM 614162.

Submission:

Labcorp Genetics (formerly Invitae), Labcorp
Classification: Uncertain significance for Mendelian susceptibility to mycobacterial diseases due to partial STAT1 deficiency; Immunodeficiency 31B; Autoimmune enteropathy and endocrinopathy - susceptibility to chronic infections syndrome. Last evaluated: 2022-08-19. Review status: criteria provided, single submitter. Criteria: Invitae Variant Classification Sherloc (09022015). Collection method: clinical testing. Allele origin: germline.
Comment: In summary, the available evidence is currently insufficient to determine the role of this variant in disease. Therefore, it has been classified as a Variant of Uncertain Significance. Algorithms developed to predict the effect of sequence changes on RNA splicing suggest that this variant may disrupt the consensus splice site. ClinVar contains an entry for this variant (Variation ID: 1509029). This variant has not been reported in the literature in individuals affected with STAT1-related conditions. This variant is not present in population databases (gnomAD no frequency). This sequence change falls in intron 4 of the STAT1 gene. It does not directly change the encoded amino acid sequence of the STAT1 protein.

NM_007315.4(STAT1):c.274-6A>G

Gene: STAT1 (signal transducer and activator of transcription 1; minus strand). Cytogenetic location: 2q32.2.
Variant type: single nucleotide variant.
Coding change: c.274-6A>G on transcript NM_007315.4 (MANE Select); 6 bases into the intron before coding-DNA position 274, A replaced by G.
Molecular consequence: intron variant.
Genome position (GRCh38, 1-based): chr2:191,007,667, T>C on the plus strand (A>G on the coding strand, the complement: STAT1 is on the minus strand). VCF-style: chr2-191007667-T-C. GRCh37 (hg19) VCF-style: chr2-191872393-T-C.
Other names: c.274-6A>G (NM_001384890.1, NM_001384883.1, NM_001384885.1 and 7 more transcripts); c.310-6A>G (NM_001384891.1); c.280-6A>G (NM_001384884.1, NM_001384881.1).
Identifiers: ClinVar variation 1509029 (VCV001509029.6), dbSNP rs2125097234, ClinGen allele CA2573134266.